The following is an entry in ClinVar:

NM_001844.5(COL2A1):c.2625+1G>A

Gene: COL2A1 (collagen type II alpha 1 chain; minus strand). Cytogenetic location: 12q13.11.
Variant type: single nucleotide variant.
Coding change: c.2625+1G>A on transcript NM_001844.5 (MANE Select); the canonical splice donor site of the intron after coding-DNA position 2625, G replaced by A.
Molecular consequence: splice donor variant.
Genome position (GRCh38, 1-based): chr12:47,980,553, C>T on the plus strand (G>A on the coding strand, the complement: COL2A1 is on the minus strand). VCF-style: chr12-47980553-C-T. GRCh37 (hg19) VCF-style: chr12-48374336-C-T.
Other names: c.2418+1G>A (NM_033150.3).
Identifiers: ClinVar variation 2025572 (VCV002025572.4), dbSNP rs2540121990, ClinGen allele CA384544337.

ClinVar aggregate classification (germline): Pathogenic (1 of 4 stars; one submission).

Submission:

Labcorp Genetics (formerly Invitae), Labcorp
Classification: Pathogenic. Last evaluated: 2022-08-21. Review status: criteria provided, single submitter. Criteria: Invitae Variant Classification Sherloc (09022015). Collection method: clinical testing. Allele origin: germline.
Comment: For these reasons, this variant has been classified as Pathogenic. Algorithms developed to predict the effect of sequence changes on RNA splicing suggest that this variant may disrupt the consensus splice site. Disruption of this splice site has been observed in individuals with Stickler syndrome (PMID: 20513134; Invitae). This variant is not present in population databases (gnomAD no frequency). This sequence change affects a donor splice site in intron 39 of the COL2A1 gene. It is expected to disrupt RNA splicing. Variants that disrupt the donor or acceptor splice site typically lead to a loss of protein function (PMID: 16199547), and loss-of-function variants in COL2A1 are known to be pathogenic (PMID: 20179744).

Literature cited by the submitters: PubMed 20513134; PubMed 16199547; PubMed 20179744.